The following is an entry in ClinVar:

NM_001170700.3(DTHD1):c.1219-2A>G

Gene: DTHD1 (death domain containing 1; plus strand). Cytogenetic location: 4p14.
Variant type: single nucleotide variant.
Coding change: c.1219-2A>G on transcript NM_001170700.3 (MANE Select); the canonical splice acceptor site of the intron before coding-DNA position 1219, A replaced by G.
Molecular consequence: splice acceptor variant. On other transcripts: intron variant (1).
Genome position (GRCh38, 1-based): chr4:36,293,524, A>G. VCF-style: chr4-36293524-A-G. GRCh37 (hg19) VCF-style: chr4-36295146-A-G.
Other names: c.349-2A>G (NM_001136536.5); c.349-65A>G (NM_001378435.1).
Identifiers: ClinVar variation 1978018 (VCV001978018.6), dbSNP rs1471544391, ClinGen allele CA356679314.

ClinVar aggregate classification (germline): Uncertain significance. Review status: criteria provided, multiple submitters, no conflicts (2 of 4 stars). 2 submissions from 2 submitters: Uncertain significance (2). Last evaluated 2022-08-19.

Allele frequency attached by ClinVar (database versions not stated): gnomAD exomes below 0.00001; TOPMed below 0.00001.
gnomAD v4.1: 1 of 1,535,514 alleles (0.000065%); highest among the groups gnomAD compares: Non-Finnish European, 0.000088%; no homozygotes.

Submissions (2):

Labcorp Genetics (formerly Invitae), Labcorp
Classification: Uncertain significance. Last evaluated: 2022-08-19. Review status: criteria provided, single submitter. Criteria: Invitae Variant Classification Sherloc (09022015). Collection method: clinical testing. Allele origin: germline.
Comment: This sequence change affects an acceptor splice site in intron 2 of the DTHD1 gene. It is expected to disrupt RNA splicing. Variants that disrupt the donor or acceptor splice site typically lead to a loss of protein function (PMID: 16199547), however the current clinical and genetic evidence is not sufficient to establish whether loss-of-function variants in DTHD1 cause disease. In summary, the available evidence is currently insufficient to determine the role of this variant in disease. Therefore, it has been classified as a Variant of Uncertain Significance. Algorithms developed to predict the effect of sequence changes on RNA splicing suggest that this variant may disrupt the consensus splice site. This variant has not been reported in the literature in individuals affected with DTHD1-related conditions. This variant is not present in population databases (gnomAD no frequency).

Blueprint Genetics
Classification: Uncertain significance. Last evaluated: 2018-06-13. Review status: criteria provided, single submitter. Criteria: ACMG Guidelines, 2015. Collection method: clinical testing. Allele origin: germline.

Literature cited by the submitters: PubMed 16199547 (cited by Labcorp Genetics (formerly Invitae), Labcorp).